The following is an entry in ClinVar:

NM_001130987.2(DYSF):c.4433T>G (p.Ile1478Ser)

Gene: DYSF (dysferlin; plus strand). Cytogenetic location: 2p13.2.
Variant type: single nucleotide variant.
Coding change: c.4433T>G on transcript NM_001130987.2 (MANE Select); coding-DNA position 4433, T replaced by G.
Protein change: p.Ile1478Ser; replaces isoleucine 1478 with serine.
Molecular consequence: missense variant.
Genome position (GRCh38, 1-based): chr2:71,613,379, T>G. VCF-style: chr2-71613379-T-G. GRCh37 (hg19) VCF-style: chr2-71840509-T-G.
Other names: c.4382T>G, p.Ile1461Ser (NM_001130455.2, NM_001130983.2); c.4337T>G, p.Ile1446Ser (NM_001130976.2, NM_001130977.2); c.4379T>G, p.Ile1460Ser (NM_001130978.2, NM_003494.4); c.4472T>G, p.Ile1491Ser (NM_001130979.2); c.4430T>G, p.Ile1477Ser (NM_001130980.2, NM_001130981.2); c.4475T>G, p.Ile1492Ser (NM_001130982.2); c.4340T>G, p.Ile1447Ser (NM_001130984.2, NM_001130986.2); c.4433T>G, p.Ile1478Ser (NM_001130985.2); short protein forms I1447S, I1461S, I1477S, I1446S, I1478S, I1460S, I1491S, I1492S.
Identifiers: ClinVar variation 2127502 (VCV002127502.4), dbSNP rs2093811599, ClinGen allele CA347229616.

ClinVar aggregate classification (germline): Uncertain significance (1 of 4 stars; one submission).

Conditions:
Neuromuscular disease caused by qualitative or quantitative defects of dysferlin. Also called: Dysferlinopathy; Qualitative or quantitative defects of dysferlin. Identifiers: Orphanet 207073, MedGen C2931687, MONDO:0016145.

Submission:

Labcorp Genetics (formerly Invitae), Labcorp
Classification: Uncertain significance for Neuromuscular disease caused by qualitative or quantitative defects of dysferlin. Last evaluated: 2023-04-14. Review status: criteria provided, single submitter. Criteria: Invitae Variant Classification Sherloc (09022015). Collection method: clinical testing. Allele origin: germline.
Comment: In summary, the available evidence is currently insufficient to determine the role of this variant in disease. Therefore, it has been classified as a Variant of Uncertain Significance. Advanced modeling of protein sequence and biophysical properties (such as structural, functional, and spatial information, amino acid conservation, physicochemical variation, residue mobility, and thermodynamic stability) performed at Invitae indicates that this missense variant is not expected to disrupt DYSF protein function. ClinVar contains an entry for this variant (Variation ID: 2127502). This variant has not been reported in the literature in individuals affected with DYSF-related conditions. This variant is not present in population databases (gnomAD no frequency). This sequence change replaces isoleucine, which is neutral and non-polar, with serine, which is neutral and polar, at codon 1460 of the DYSF protein (p.Ile1460Ser).